The following is an entry in ClinVar:

NM_000238.4(KCNH2):c.65T>G (p.Phe22Cys)

Gene: KCNH2 (potassium voltage-gated channel subfamily H member 2; minus strand). Cytogenetic location: 7q36.1.
Variant type: single nucleotide variant.
Coding change: c.65T>G on transcript NM_000238.4 (MANE Select); coding-DNA position 65, T replaced by G.
Protein change: p.Phe22Cys; replaces phenylalanine 22 with cysteine.
Molecular consequence: missense variant. On other transcripts: non-coding transcript variant (1).
Genome position (GRCh38, 1-based): chr7:150,977,849, A>C on the plus strand (T>G on the coding strand, the complement: KCNH2 is on the minus strand). VCF-style: chr7-150977849-A-C. GRCh37 (hg19) VCF-style: chr7-150674937-A-C.
Other names: c.65T>G, p.Phe22Cys (NM_172056.3); short protein forms F22C.
Identifiers: ClinVar variation 3070149 (VCV003070149.1), dbSNP rs199472826, ClinGen allele CA369866638.

ClinVar aggregate classification (germline): Uncertain significance (1 of 4 stars; one submission).

Conditions:
Long QT syndrome (LQTS). Identifiers: MedGen C0023976, MeSH D008133, MONDO:0002442. Disease mechanism: loss of function. Inheritance: Various modes of inheritance.

Submission:

All of Us Research Program, National Institutes of Health
Classification: Uncertain significance for Long QT syndrome. Last evaluated: 2023-11-02. Review status: criteria provided, single submitter. Criteria: ACMG Guidelines, 2015. Collection method: clinical testing. Allele origin: germline. Inheritance: Autosomal dominant inheritance. Observed: 1 variant allele, 1 heterozygote.
Comment: This missense variant replaces phenylalanine with cysteine at codon 22 of the KCNH2 protein. Computational prediction suggests that this variant may have deleterious impact on protein structure and function (internally defined REVEL score threshold >= 0.7, PMID: 27666373). To our knowledge, functional studies have not been reported for this variant. This variant has not been reported in individuals affected with KCNH2-related disorders in the literature. This variant has not been identified in the general population by the Genome Aggregation Database (gnomAD). The available evidence is insufficient to determine the role of this variant in disease conclusively. Therefore, this variant is classified as a Variant of Uncertain Significance.

This study involves interpretation of variants in research participants for the purpose of population health screening. Participant phenotype was not available at the time of variant classification. Additional details can be found in publication PMID: 35346344, PMCID: PMC8962531